The following is an entry in ClinVar:

ClinVar aggregate classification (germline): Uncertain significance (1 of 4 stars; one submission).

Allele frequency attached by ClinVar (database versions not stated): gnomAD exomes below 0.00001; TOPMed below 0.00001; gnomAD 0.00001.
gnomAD v4.1: 4 of 1,614,074 alleles (0.00025%); highest among the groups gnomAD compares: African/African-American, 0.0013%; no homozygotes.

Submission:

Labcorp Genetics (formerly Invitae), Labcorp
Classification: Uncertain significance. Last evaluated: 2023-06-30. Review status: criteria provided, single submitter. Criteria: Invitae Variant Classification Sherloc (09022015). Collection method: clinical testing. Allele origin: germline.
Comment: Advanced modeling of protein sequence and biophysical properties (such as structural, functional, and spatial information, amino acid conservation, physicochemical variation, residue mobility, and thermodynamic stability) performed at Invitae indicates that this missense variant is not expected to disrupt IDH3B protein function. In summary, the available evidence is currently insufficient to determine the role of this variant in disease. Therefore, it has been classified as a Variant of Uncertain Significance. ClinVar contains an entry for this variant (Variation ID: 1714316). This variant has not been reported in the literature in individuals affected with IDH3B-related conditions. This variant is not present in population databases (gnomAD no frequency). This sequence change replaces isoleucine, which is neutral and non-polar, with valine, which is neutral and non-polar, at codon 163 of the IDH3B protein (p.Ile163Val).

NM_006899.5(IDH3B):c.487A>G (p.Ile163Val)

Gene: IDH3B (isocitrate dehydrogenase (NAD(+)) 3 non-catalytic subunit beta; minus strand). Cytogenetic location: 20p13.
Variant type: single nucleotide variant.
Coding change: c.487A>G on transcript NM_006899.5 (MANE Select); coding-DNA position 487, A replaced by G.
Protein change: p.Ile163Val; replaces isoleucine 163 with valine.
Molecular consequence: missense variant. On other transcripts: non-coding transcript variant (1).
Genome position (GRCh38, 1-based): chr20:2,660,741, T>C on the plus strand (A>G on the coding strand, the complement: IDH3B is on the minus strand). VCF-style: chr20-2660741-T-C. GRCh37 (hg19) VCF-style: chr20-2641387-T-C.
Other names: c.487A>G, p.Ile163Val (NM_001258384.3, NM_001330763.2, NM_174855.4); short protein forms I163V.
Identifiers: ClinVar variation 1714316 (VCV001714316.5), dbSNP rs1465433477, ClinGen allele CA408038361.
Genomic context (GRCh38, chr20:2,660,741, plus strand): 5'-GTTTCTGGGGCCTCACCTCATGTTCCAGAGAGCTGTACTCCCCTTCTGTCTGCTCTCGAA[T>C]GATCACCAGGTCTAGATTGTTGTGCCGAGTCATATACCCAGGAAGTGACTTCACATGGAC-3'
Protein context (NP_008830.2, residues 153-173): TRHNNLDLVI[Ile163Val]REQTEGEYSS